The following is an entry in ClinVar:

ClinVar aggregate classification (germline): Uncertain significance (1 of 4 stars; one submission).

Allele frequency attached by ClinVar (database versions not stated): TOPMed below 0.00001; gnomAD 0.00001; ExAC 0.00002; ESP Exome Variant Server 0.00008.

Submission:

Labcorp Genetics (formerly Invitae), Labcorp
Classification: Uncertain significance. Last evaluated: 2021-08-02. Review status: criteria provided, single submitter. Criteria: Invitae Variant Classification Sherloc (09022015). Collection method: clinical testing. Allele origin: germline.
Comment: In summary, the available evidence is currently insufficient to determine the role of this variant in disease. Therefore, it has been classified as a Variant of Uncertain Significance. Algorithms developed to predict the effect of missense changes on protein structure and function are either unavailable or do not agree on the potential impact of this missense change (SIFT: "Tolerated"; PolyPhen-2: "Not Available"; Align-GVGD: "Class C0"). This variant has not been reported in the literature in individuals affected with RIN2-related conditions. This variant is present in population databases (rs374855992, ExAC 0.004%). This sequence change replaces methionine with leucine at codon 127 of the RIN2 protein (p.Met127Leu). The methionine residue is moderately conserved and there is a small physicochemical difference between methionine and leucine.

NM_018993.4(RIN2):c.379A>T (p.Met127Leu)

Gene: RIN2 (Ras and Rab interactor 2; plus strand). Cytogenetic location: 20p11.23.
Variant type: single nucleotide variant.
Coding change: c.379A>T on transcript NM_018993.4 (MANE Select); coding-DNA position 379, A replaced by T.
Protein change: p.Met127Leu; replaces methionine 127 with leucine.
Molecular consequence: missense variant. On other transcripts: 5 prime UTR variant (1).
Genome position (GRCh38, 1-based): chr20:19,960,727, A>T. VCF-style: chr20-19960727-A-T. GRCh37 (hg19) VCF-style: chr20-19941371-A-T.
Other names: c.526A>T, p.Met176Leu (NM_001242581.2); c.-167A>T (NM_001378238.1); short protein forms M127L, M176L.
Identifiers: ClinVar variation 1461183 (VCV001461183.4), dbSNP rs374855992, ClinGen allele CA9779813.